The following is an entry in ClinVar:

NM_000342.4(SLC4A1):c.1468C>G (p.Arg490Gly)

Gene: SLC4A1 (solute carrier family 4 member 1 (Diego blood group); minus strand). Cytogenetic location: 17q21.31.
Variant type: single nucleotide variant.
Coding change: c.1468C>G on transcript NM_000342.4 (MANE Select); coding-DNA position 1468, C replaced by G.
Protein change: p.Arg490Gly; replaces arginine 490 with glycine.
Molecular consequence: missense variant.
Genome position (GRCh38, 1-based): chr17:44,257,508, G>C on the plus strand (C>G on the coding strand, the complement: SLC4A1 is on the minus strand). VCF-style: chr17-44257508-G-C. GRCh37 (hg19) VCF-style: chr17-42334876-G-C.
Other names: short protein forms R490G.
Identifiers: ClinVar variation 2436054 (VCV002436054.4), dbSNP rs1398477044, ClinGen allele CA399785931.

ClinVar aggregate classification (germline): Uncertain significance. Review status: criteria provided, multiple submitters, no conflicts (2 of 4 stars). 2 submissions from 2 submitters: Uncertain significance (2). Last evaluated 2025-11-19.

Submissions (2):

Labcorp Genetics (formerly Invitae), Labcorp
Classification: Uncertain significance. Last evaluated: 2025-11-19. Review status: criteria provided, single submitter. Criteria: Invitae Variant Classification Sherloc (09022015). Collection method: clinical testing. Allele origin: germline.
Comment: This sequence change replaces arginine, which is basic and polar, with glycine, which is neutral and non-polar, at codon 490 of the SLC4A1 protein (p.Arg490Gly). This variant is not present in population databases (gnomAD no frequency). This variant has not been reported in the literature in individuals affected with SLC4A1-related conditions. ClinVar contains an entry for this variant (Variation ID: 2436054). Invitae Evidence Modeling of protein sequence and biophysical properties (such as structural, functional, and spatial information, amino acid conservation, physicochemical variation, residue mobility, and thermodynamic stability) indicates that this missense variant is expected to disrupt SLC4A1 protein function with a positive predictive value of 80%. This variant disrupts the p.Arg490 amino acid residue in SLC4A1. Other variant(s) that disrupt this residue have been determined to be pathogenic (PMID: 10580570, 31126250). This suggests that this residue is clinically significant, and that variants that disrupt this residue are likely to be disease-causing. In summary, the available evidence is currently insufficient to determine the role of this variant in disease. Therefore, it has been classified as a Variant of Uncertain Significance.

Revvity Omics, Revvity
Classification: Uncertain significance. Last evaluated: 2021-04-28. Review status: criteria provided, single submitter. Criteria: ACMG Guidelines, 2015. Collection method: clinical testing. Allele origin: germline.

Literature cited by the submitters: PubMed 10580570 (cited by Labcorp Genetics (formerly Invitae), Labcorp); PubMed 31126250 (cited by Labcorp Genetics (formerly Invitae), Labcorp).